The following is an entry in ClinVar:

ClinVar aggregate classification (germline): Uncertain significance (1 of 4 stars; one submission).

Conditions:
Diamond-Blackfan anemia 10 (DBA10). Also called: RPS26-Related Diamond-Blackfan Anemia. Identifiers: Orphanet 124, MedGen C2750080, MONDO:0013217, OMIM 613309.

Allele frequency attached by ClinVar (database versions not stated): gnomAD exomes below 0.00001.

Submission:

Labcorp Genetics (formerly Invitae), Labcorp
Classification: Uncertain significance for Diamond-Blackfan anemia 10. Last evaluated: 2024-10-16. Review status: criteria provided, single submitter. Criteria: Invitae Variant Classification Sherloc (09022015). Collection method: clinical testing. Allele origin: germline.
Comment: This sequence change replaces arginine, which is basic and polar, with cysteine, which is neutral and slightly polar, at codon 92 of the RPS26 protein (p.Arg92Cys). This variant is not present in population databases (gnomAD no frequency). This variant has not been reported in the literature in individuals affected with RPS26-related conditions. ClinVar contains an entry for this variant (Variation ID: 2190048). An algorithm developed to predict the effect of missense changes on protein structure and function (PolyPhen-2) suggests that this variant is likely to be tolerated. In summary, the available evidence is currently insufficient to determine the role of this variant in disease. Therefore, it has been classified as a Variant of Uncertain Significance.

NM_001029.5(RPS26):c.274C>T (p.Arg92Cys)

Gene: RPS26 (ribosomal protein S26; plus strand). Cytogenetic location: 12q13.2.
Variant type: single nucleotide variant.
Coding change: c.274C>T on transcript NM_001029.5 (MANE Select); coding-DNA position 274, C replaced by T.
Protein change: p.Arg92Cys; replaces arginine 92 with cysteine.
Molecular consequence: missense variant.
Genome position (GRCh38, 1-based): chr12:56,043,455, C>T. VCF-style: chr12-56043455-C-T. GRCh37 (hg19) VCF-style: chr12-56437239-C-T.
Other names: short protein forms R92C.
Identifiers: ClinVar variation 2190048 (VCV002190048.4), dbSNP rs762075522, ClinGen allele CA385327254.
Genomic context (GRCh38, chr12:56,043,455, plus strand): 5'-CATTACTGTGTGAGTTGTGCAATTCACAGCAAAGTAGTCAGGAATCGATCTCGTGAAGCC[C>T]GCAAGGACCGAACACCCCCACCCCGATTTAGACCTGCGGTGAGTATTTTAAAAGGAGAAT-3'
Protein context (NP_001020.2, residues 82-102): KVVRNRSREA[Arg92Cys]KDRTPPPRFR